The following is an entry in ClinVar:

ClinVar aggregate classification (germline): Uncertain significance (1 of 4 stars; one submission).

Conditions:
Hereditary cancer-predisposing syndrome. Also called: Neoplastic Syndromes, Hereditary; Tumor predisposition; Hereditary Cancer Syndrome; Hereditary neoplastic syndrome. Identifiers: Orphanet 140162, MedGen C0027672, MeSH D009386, MONDO:0015356.

Submission:

Ambry Genetics
Classification: Uncertain significance for Hereditary cancer-predisposing syndrome. Last evaluated: 2017-03-30. Review status: criteria provided, single submitter. Criteria: Ambry Variant Classification Scheme 2023. Collection method: clinical testing. Allele origin: germline.
Comment: The p.K2412N variant (also known as c.7236A>T), located in coding exon 15 of the APC gene, results from an A to T substitution at nucleotide position 7236. The lysine at codon 2412 is replaced by asparagine, an amino acid with similar properties. This amino acid position is highly conserved in available vertebrate species. In addition, in silico predictors for this gene do not accurately predict pathogenicity. Since supporting evidence is limited at this time, the clinical significance of this alteration remains unclear.

NM_000038.6(APC):c.7236A>T (p.Lys2412Asn)

Gene: APC (APC regulator of Wnt signaling pathway; plus strand). Cytogenetic location: 5q22.2.
Variant type: single nucleotide variant.
Coding change: c.7236A>T on transcript NM_000038.6 (MANE Select); coding-DNA position 7236, A replaced by T.
Protein change: p.Lys2412Asn; replaces lysine 2412 with asparagine.
Molecular consequence: missense variant.
Genome position (GRCh38, 1-based): chr5:112,842,830, A>T. VCF-style: chr5-112842830-A-T. GRCh37 (hg19) VCF-style: chr5-112178527-A-T.
Other names: c.7161A>T, p.Lys2387Asn (NM_001354898.2); c.7152A>T, p.Lys2384Asn (NM_001354899.2); c.6963A>T, p.Lys2321Asn (NM_001354902.2); c.6933A>T, p.Lys2311Asn (NM_001354903.2); c.6756A>T, p.Lys2252Asn (NM_001354905.2); c.7059A>T, p.Lys2353Asn (NM_001354901.2); c.6858A>T, p.Lys2286Asn (NM_001354904.2); c.7113A>T, p.Lys2371Asn (NM_001354900.2); and 5 more; short protein forms K2412N, K2394N, K2286N, K2353N, K2387N, K2129N, K2311N, K2321N.
Identifiers: ClinVar variation 482462 (VCV000482462.5), dbSNP rs1554088153, ClinGen allele CA16037093.